The following is an entry in ClinVar:

ClinVar aggregate classification (germline): Uncertain significance. Review status: criteria provided, multiple submitters, no conflicts (2 of 4 stars). 2 submissions from 2 submitters: Uncertain significance (2). Last evaluated 2021-11-02.

Conditions:
Cardiac arrhythmia. Also called: Arrhythmia; Cardiac rhythm disease. Identifiers: MedGen C0003811, MONDO:0007263, HP:0011675.
Long QT syndrome (LQTS). Identifiers: MedGen C0023976, MeSH D008133, MONDO:0002442. Disease mechanism: loss of function. Inheritance: Various modes of inheritance.

Allele frequency attached by ClinVar (database versions not stated): gnomAD exomes below 0.00001.
gnomAD v4.1: 2 of 1,614,190 alleles (0.00012%); highest among the groups gnomAD compares: East Asian, 0.0022%; no homozygotes.

Submissions (2):

Labcorp Genetics (formerly Invitae), Labcorp
Classification: Uncertain significance for Long QT syndrome. Last evaluated: 2021-11-02. Review status: criteria provided, single submitter. Criteria: Invitae Variant Classification Sherloc (09022015). Collection method: clinical testing. Allele origin: germline.
Comment: In summary, the available evidence is currently insufficient to determine the role of this variant in disease. Therefore, it has been classified as a Variant of Uncertain Significance. Algorithms developed to predict the effect of missense changes on protein structure and function (SIFT, PolyPhen-2, Align-GVGD) all suggest that this variant is likely to be tolerated. ClinVar contains an entry for this variant (Variation ID: 919245). This missense change has been observed in individual(s) with clinical features of long QT syndrome (PMID: 20851114; Invitae). This variant is not present in population databases (gnomAD no frequency). This sequence change replaces proline, which is neutral and non-polar, with serine, which is neutral and polar, at codon 477 of the KCNQ1 protein (p.Pro477Ser).

Color Diagnostics, LLC DBA Color Health
Classification: Uncertain significance for Cardiac arrhythmia. Last evaluated: 2020-01-23. Review status: criteria provided, single submitter. Criteria: ACMG Guidelines, 2015. Collection method: clinical testing. Allele origin: germline.
Comment: This missense variant replaces proline with serine at codon 477 of the KCNQ1 protein. Computational prediction is inconclusive regarding the impact of this variant on protein structure and function (internally defined REVEL score threshold 0.5 < inconclusive < 0.7, PMID: 27666373). Splice site prediction tools suggest that this variant may not impact RNA splicing. To our knowledge, functional studies have not been performed for this variant. This variant has not been reported in individuals affected with cardiovascular disorders in the literature. This variant has not been identified in the general population by the Genome Aggregation Database (gnomAD). The available evidence is insufficient to determine the role of this variant in disease conclusively. Therefore, this variant is classified as a Variant of Uncertain Significance.

Literature cited by the submitters: PubMed 20851114 (cited by Labcorp Genetics (formerly Invitae), Labcorp).

NM_000218.3(KCNQ1):c.1429C>T (p.Pro477Ser)

Genes: KCNQ1 (potassium voltage-gated channel subfamily Q member 1; plus strand), KCNQ1OT1 (KCNQ1 opposite strand/antisense transcript 1; minus strand). Cytogenetic location: 11p15.5.
Variant type: single nucleotide variant.
Coding change: c.1429C>T on transcript NM_000218.3 (MANE Select); coding-DNA position 1429, C replaced by T.
Protein change: p.Pro477Ser; replaces proline 477 with serine.
Molecular consequence: missense variant.
Genome position (GRCh38, 1-based): chr11:2,661,996, C>T. VCF-style: chr11-2661996-C-T. GRCh37 (hg19) VCF-style: chr11-2683226-C-T.
Other names: c.1333C>T, p.Pro445Ser (NM_001406836.1); c.1159C>T, p.Pro387Ser (NM_001406837.1); c.889C>T, p.Pro297Ser (NM_001406838.1); c.1048C>T, p.Pro350Ser (NM_181798.2); short protein forms P350S, P477S, P297S, P445S, P387S.
Identifiers: ClinVar variation 919245 (VCV000919245.11), dbSNP rs1162587598, ClinGen allele CA379479483.